The following is an entry in ClinVar:

NM_001903.5(CTNNA1):c.1855T>C (p.Tyr619His)

Gene: CTNNA1 (catenin alpha 1; plus strand). Cytogenetic location: 5q31.2.
Variant type: single nucleotide variant.
Coding change: c.1855T>C on transcript NM_001903.5 (MANE Select); coding-DNA position 1855, T replaced by C.
Protein change: p.Tyr619His; replaces tyrosine 619 with histidine.
Molecular consequence: missense variant.
Genome position (GRCh38, 1-based): chr5:138,925,363, T>C. VCF-style: chr5-138925363-T-C. GRCh37 (hg19) VCF-style: chr5-138261052-T-C.
Other names: c.1855T>C, p.Tyr619His (NM_001290307.3, NM_001323982.2, NM_001323983.1 and 2 more transcripts); c.1546T>C, p.Tyr516His (NM_001290309.3); c.1486T>C, p.Tyr496His (NM_001290310.3); c.745T>C, p.Tyr249His (NM_001290312.1, NM_001323987.1, NM_001323988.1 and 17 more transcripts); c.1762T>C, p.Tyr588His (NM_001323986.2); c.406T>C, p.Tyr136His (NM_001324006.1, NM_001324007.1, NM_001324008.1 and 2 more transcripts); c.652T>C, p.Tyr218His (NM_001324011.1); c.502T>C, p.Tyr168His (NM_001324012.1, NM_001324013.1); short protein forms Y168H, Y218H, Y588H, Y516H, Y136H, Y249H, Y496H, Y619H.
Identifiers: ClinVar variation 944253 (VCV000944253.9), dbSNP rs1763792661, ClinGen allele CA361132352.

ClinVar aggregate classification (germline): Uncertain significance (1 of 4 stars; one submission).

Allele frequency attached by ClinVar (database versions not stated): gnomAD exomes 0.00001.
gnomAD v4.1: 8 of 1,614,224 alleles (0.0005%); highest among the groups gnomAD compares: Non-Finnish European, 0.00068%; no homozygotes.

Submission:

Labcorp Genetics (formerly Invitae), Labcorp
Classification: Uncertain significance. Last evaluated: 2024-09-16. Review status: criteria provided, single submitter. Criteria: Invitae Variant Classification Sherloc (09022015). Collection method: clinical testing. Allele origin: germline.
Comment: This sequence change replaces tyrosine, which is neutral and polar, with histidine, which is basic and polar, at codon 619 of the CTNNA1 protein (p.Tyr619His). This variant is not present in population databases (gnomAD no frequency). This variant has not been reported in the literature in individuals affected with CTNNA1-related conditions. ClinVar contains an entry for this variant (Variation ID: 944253). Invitae Evidence Modeling of protein sequence and biophysical properties (such as structural, functional, and spatial information, amino acid conservation, physicochemical variation, residue mobility, and thermodynamic stability) indicates that this missense variant is not expected to disrupt CTNNA1 protein function with a negative predictive value of 80%. In summary, the available evidence is currently insufficient to determine the role of this variant in disease. Therefore, it has been classified as a Variant of Uncertain Significance.